The following is an entry in ClinVar:

ClinVar aggregate classification (germline): Likely pathogenic. Review status: reviewed by expert panel (3 of 4 stars). 18 submissions from 18 submitters: Likely pathogenic (1). 17 of the submissions do not count toward it. Last evaluated 2022-12-14.

Conditions:
Abnormal circulating enzyme concentration. Identifiers: MedGen C4023591, HP:0011021.
Rhabdomyolysis. Also called: Rhabdomyolysis (disease). Identifiers: MedGen C0035410, HP:0003201, MONDO:0005290.
Very long chain acyl-CoA dehydrogenase deficiency (ACADVLD). Also called: VLCAD Deficiency; Very Long-Chain Acyl-Coenzyme A Dehydrogenase Deficiency. Identifiers: Orphanet 26793, MedGen C3887523, MONDO:0008723, OMIM 201475.

Allele frequency attached by ClinVar (database versions not stated): gnomAD 0.00001; gnomAD exomes 0.00002; TOPMed 0.00002; ExAC 0.00004.
gnomAD v4.1: 25 of 1,613,986 alleles (0.0015%); highest among the groups gnomAD compares: East Asian, 0.013%; 1 homozygote.

Submissions 1 to 9 of 18:

ClinGen ACADVL Variant Curation Expert Panel, ClinGen
Classification: Likely pathogenic for Very long chain acyl-CoA dehydrogenase deficiency. Last evaluated: 2022-12-14. Review status: reviewed by expert panel. Criteria: clingen acadvl acmg specifications v1. Collection method: curation. Allele origin: germline. Inheritance: Autosomal recessive inheritance.
Comment: The c.1349G>A (p.Arg450His) variant in ACADVL is a missense variant predicted to cause substitution of arginine by histidine at amino acid 450. At least one individual with this variant displayed reduced VLCAD activity, which is specific for very long chain acyl CoA dehydrogenase (VLCAD) deficiency (PP4, PMID: 11158518). This variant has been confirmed in trans to at least one likely pathogenic variant, not confirmed in trans to distinct likely pathogenic variants, and has been identified in the homozygous state in 2 individuals (PM3_Strong, PMID: 29519241, 15210884, 11158518, 9546340). The highest population minor allele frequency in gnomAD v2.0 is 0.00025 in East Asian population, which is lower than the ClinGen ACADVL Variant Curation Expert Panel threshold (<0.001) for PM2_Supporting, meeting this criterion (PM2_Supporting). The computational predictor REVEL gives a score of 0.92, which is above the threshold of 0.75, evidence that correlates with impact to ACADVL function (PP3). In summary, this variant meets the criteria to be classified as likely pathogenic for autosomal recessive VLCAD deficiency based on the ACMG/AMP criteria applied, as specified by the ClinGen ACADVL Variant Curation Expert Panel: PP4, PM3_Strong, PM2_Supporting, PP3 (ACADVL specifications version 1; approved November 8, 2021)

Natera, Inc.
Classification: Pathogenic for Very long chain acyl-CoA dehydrogenase deficiency. Last evaluated: 2025-12-11. Review status: criteria provided, single submitter. Criteria: Natera Variant Classification Schema (03/2026). Collection method: clinical testing. Allele origin: germline. Not counted in ClinVar's aggregate classification.
Comment: The c.1349G>A variant in ACADVL is a missense variant predicted to cause substitution of arginine to histidine at amino acid 450. This variant is rare in the general population with a frequency below the threshold expected for the associated phenotype(s). This variant has been observed in one or more individuals affected with the associated recessive disease, as either homozygous or compound heterozygous with a second variant (PMID: 11158518, 15210884, 31794763). Functional studies show that this variant may disrupt protein function (PMID: 11158518). Computational prediction algorithms indicate this variant is likely to affect gene or protein function. Given the available evidence, this variant is classified as Pathogenic.

Labcorp Genetics (formerly Invitae), Labcorp
Classification: Pathogenic for Very long chain acyl-CoA dehydrogenase deficiency. Last evaluated: 2025-10-09. Review status: criteria provided, single submitter. Criteria: Invitae Variant Classification Sherloc (09022015). Collection method: clinical testing. Allele origin: germline. Not counted in ClinVar's aggregate classification.
Comment: This sequence change replaces arginine, which is basic and polar, with histidine, which is basic and polar, at codon 450 of the ACADVL protein (p.Arg450His). This variant is present in population databases (rs118204016, gnomAD 0.03%). This missense change has been observed in individual(s) with very long chain acyl-CoA dehydrogenase deficiency (PMID: 9546340, 11158518, 15210884, 24801231). This variant is also known as R410H. ClinVar contains an entry for this variant (Variation ID: 1634). Invitae Evidence Modeling of protein sequence and biophysical properties (such as structural, functional, and spatial information, amino acid conservation, physicochemical variation, residue mobility, and thermodynamic stability) indicates that this missense variant is expected to disrupt ACADVL protein function with a positive predictive value of 80%. Experimental studies have shown that this missense change affects ACADVL function (PMID: 11158518). For these reasons, this variant has been classified as Pathogenic.

3billion
Classification: Likely pathogenic for Very long chain acyl-CoA dehydrogenase deficiency. Last evaluated: 2025-02-14. Review status: criteria provided, single submitter. Criteria: ACMG Guidelines, 2015. Collection method: clinical testing. Allele origin: germline. Affected: yes. Not counted in ClinVar's aggregate classification.
Comment: The variant is observed at an extremely low frequency in the gnomAD v4.1.0 dataset (total allele frequency: 0.002%). Predicted Consequence/Location: Missense variant In silico tool predictions suggest damaging effect of the variant on gene or gene product [REVEL: 0.92 (>=0.6, sensitivity 0.68 and specificity 0.92); 3Cnet: 0.99 (>=0.6, sensitivity 0.72 and precision 0.9)]. The same nucleotide change resulting in the same amino acid change has been previously reported as pathogenic/likely pathogenic with strong evidence (ClinVar ID: VCV000001634 /PMID: 9546340 /3billion dataset). A different missense change at the same codon (p.Arg450Cys) has been reported to be associated with ACADVL-related disorder (ClinVar ID: VCV003016559). Therefore, this variant is classified as Likely pathogenic according to the recommendation of ACMG/AMP guideline.

Myriad Genetics, Inc.
Classification: Likely pathogenic for Very long chain acyl-CoA dehydrogenase deficiency. Last evaluated: 2025-01-24. Review status: criteria provided, single submitter. Criteria: Myriad Autosomal Dominant, Autosomal Recessive and X-Linked Classification Criteria (2023). Collection method: clinical testing. Allele origin: unknown. Not counted in ClinVar's aggregate classification.
Comment: NM_000018.3(ACADVL):c.1349G>A(R450H) is a missense variant classified as likely pathogenic in the context of very-long-chain acyl-CoA dehydrogenase deficiency. R450H has been observed in cases with relevant disease (PMID: 11158518, 9546340, 23700290, 18670371, 30840296, 29519241). Relevant functional assessments of this variant are available in the literature (PMID: 11158518). R450H has been observed in referenced population frequency databases. In summary, NM_000018.3(ACADVL):c.1349G>A(R450H) is a missense variant that has functional support for pathogenicity and has been observed more frequently in cases with the relevant disease than in healthy populations. Please note: this variant was assessed in the context of healthy population screening.

Laboratory for Molecular Medicine, Mass General Brigham Personalized Medicine
Classification: Likely pathogenic for Very long chain acyl-CoA dehydrogenase deficiency. Last evaluated: 2024-03-21. Review status: criteria provided, single submitter. Criteria: ACMG Guidelines, 2015. Collection method: clinical testing. Allele origin: germline. Inheritance: Autosomal recessive inheritance. Not counted in ClinVar's aggregate classification.
Comment: The p.Arg473His variant in ACADVL has been reported in the homozygous state in at least 2 individuals and in the compound heterozygous state in at least 7 individuals with very long chain acyl-CoA dehydrogenase deficiency, at least one of whom showed reduced enzyme activity consistent with the condition. In at least 4 of these individuals, the p.Arg473His was identified with a potentially disease causing variant in ACADVL, and the variants were confirmed to be in trans in at least 1 individual (Andresen 1999 PMID: 9973285, Fukao 2001 PMID: 11158518, Smelt 1998 PMID: 9546340, Ohashi 2004 PMID: 15210884, Osawa 2022 PMID: 35400565). This variant has also been identified in 0.01% (6/44888) of East Asian chromosomes by gnomAD, including 1 homozygote in the South Asian population (v.4.0.0). In vitro functional studies of enzymatic activity and protein expression provide some evidence that this variant impacts protein function (Fukao 2001 PMID: 11158518; Ohashi 2004 PMID: 15210884; Osawa 2022 PMID: 35400565) and computational prediction tools and conservation analyses suggest that this variant may impact the protein. Additionally, this variant was classified as likely pathogenic on Dec 14, 2022 by the ClinGen-approved ACADVL Variant Curation Expert Panel (Variation ID 1634). In summary, although additional studies are required to fully establish its clinical significance, this variant meets criteria to be classified as likely pathogenic for autosomal recessive very long chain acyl-CoA dehydrogenase deficiency. ACMG/AMP Criteria applied: PM3_Strong, PS3_Supporting, PP4, PP3, PM2_Supporting.

Fulgent Genetics
Classification: Pathogenic for Very long chain acyl-CoA dehydrogenase deficiency. Last evaluated: 2024-03-20. Review status: criteria provided, single submitter. Criteria: ACMG Guidelines, 2015. Collection method: clinical testing. Allele origin: germline. Not counted in ClinVar's aggregate classification.

Genomic Medicine Center of Excellence, King Faisal Specialist Hospital and Research Centre
Classification: Uncertain significance for Very long chain acyl-CoA dehydrogenase deficiency. Last evaluated: 2024-03-14. Review status: criteria provided, single submitter. Criteria: ACMG Guidelines, 2015. Collection method: research. Allele origin: germline. Not counted in ClinVar's aggregate classification.

Baylor Genetics
Classification: Pathogenic for Very long chain acyl-CoA dehydrogenase deficiency. Last evaluated: 2024-02-26. Review status: criteria provided, single submitter. Criteria: ACMG Guidelines, 2015. Collection method: clinical testing. Allele origin: unknown. Not counted in ClinVar's aggregate classification.

NM_000018.4(ACADVL):c.1349G>A (p.Arg450His)

Gene: ACADVL (acyl-CoA dehydrogenase very long chain; plus strand). Cytogenetic location: 17p13.1.
Variant type: single nucleotide variant.
Coding change: c.1349G>A on transcript NM_000018.4 (MANE Select); coding-DNA position 1349, G replaced by A.
Protein change: p.Arg450His; replaces arginine 450 with histidine.
Molecular consequence: missense variant.
Genome position (GRCh38, 1-based): chr17:7,223,984, G>A. VCF-style: chr17-7223984-G-A. GRCh37 (hg19) VCF-style: chr17-7127303-G-A.
Other names: R410H; NM_000018.4(ACADVL):c.1349G>A; c.1349G>A (NM_000018.2); c.1283G>A, p.Arg428His (NM_001033859.3); c.1418G>A, p.Arg473His (NM_001270447.2); c.1121G>A, p.Arg374His (NM_001270448.2); c.1418G>A (NM_001270447.1); short protein forms R450H, R374H, R428H, R473H.
Identifiers: ClinVar variation 1634 (VCV000001634.39), dbSNP rs118204016, ClinGen allele CA251910.